The following is an entry in ClinVar:

ClinVar aggregate classification (germline): Uncertain significance (1 of 4 stars; one submission).

Conditions:
Neurodevelopmental disorder with severe motor impairment and absent language. Also called: NEURODEVELOPMENTAL DISORDER WITH VARIABLE MOTOR AND LANGUAGE IMPAIRMENT. Identifiers: Orphanet 647788, MedGen C4540496, MONDO:0060622, OMIM 617804.

Submission:

Dasa
Classification: Uncertain significance for Neurodevelopmental disorder with severe motor impairment and absent language. Last evaluated: 2026-01-27. Review status: criteria provided, single submitter. Criteria: DASA Assertion Criteria. Collection method: clinical testing. Allele origin: germline.
Comment: NM_138615.3(DHX30):c.730C>T (p.Leu244Phe) is a missense variant that results in the substitution of leucine with phenylalanine. This variant is absent from population databases. Computational prediction algorithms are consistent with a benign effect. The currently available literature and clinical evidence are not sufficient to establish a definitive association between this variant and the reported condition. Therefore, this variant is classified as a variant of uncertain significance.

NM_138615.3(DHX30):c.730C>T (p.Leu244Phe)

Gene: DHX30 (DExH-box helicase 30; plus strand). Cytogenetic location: 3p21.31.
Variant type: single nucleotide variant.
Coding change: c.730C>T on transcript NM_138615.3 (MANE Select); coding-DNA position 730, C replaced by T.
Protein change: p.Leu244Phe; replaces leucine 244 with phenylalanine.
Molecular consequence: missense variant.
Genome position (GRCh38, 1-based): chr3:47,841,678, C>T. VCF-style: chr3-47841678-C-T. GRCh37 (hg19) VCF-style: chr3-47883168-C-T.
Other names: c.646C>T, p.Leu216Phe (NM_001330990.2); c.613C>T, p.Leu205Phe (NM_014966.4); short protein forms L205F, L216F, L244F.
Identifiers: ClinVar variation 4882068 (VCV004882068.2).